The following is an entry in ClinVar:

NM_005359.6(SMAD4):c.1136C>T (p.Ala379Val)

Gene: SMAD4 (SMAD family member 4; plus strand). Cytogenetic location: 18q21.2.
Variant type: single nucleotide variant.
Coding change: c.1136C>T on transcript NM_005359.6 (MANE Select); coding-DNA position 1136, C replaced by T.
Protein change: p.Ala379Val; replaces alanine 379 with valine.
Molecular consequence: missense variant.
Genome position (GRCh38, 1-based): chr18:51,065,603, C>T. VCF-style: chr18-51065603-C-T. GRCh37 (hg19) VCF-style: chr18-48591973-C-T.
Other names: short protein forms A379V.
Identifiers: ClinVar variation 818392 (VCV000818392.4), dbSNP rs1599195600, ClinGen allele CA402464614.

ClinVar aggregate classification (germline): Uncertain significance (1 of 4 stars; one submission).

Conditions:
Familial thoracic aortic aneurysm and aortic dissection (TAAD). Also called: Thoracic aortic aneurysms and dissections. Identifiers: Orphanet 91387, MedGen C4707243, MONDO:0019625.
Hereditary cancer-predisposing syndrome. Also called: Tumor predisposition; Hereditary neoplastic syndrome; Neoplastic Syndromes, Hereditary; Hereditary Cancer Syndrome. Identifiers: Orphanet 140162, MedGen C0027672, MeSH D009386, MONDO:0015356.

Submission:

Ambry Genetics
Classification: Uncertain significance for Hereditary cancer-predisposing syndrome; Familial thoracic aortic aneurysm and aortic dissection. Last evaluated: 2019-03-20. Review status: criteria provided, single submitter. Criteria: Ambry Variant Classification Scheme 2023. Collection method: clinical testing. Allele origin: germline.
Comment: The p.A379V variant (also known as c.1136C>T), located in coding exon 8 of the SMAD4 gene, results from a C to T substitution at nucleotide position 1136. The alanine at codon 379 is replaced by valine, an amino acid with similar properties. This amino acid position is highly conserved in available vertebrate species. In addition, this alteration is predicted to be deleterious by in silico analysis. Since supporting evidence is limited at this time, the clinical significance of this alteration remains unclear.